The following is an entry in ClinVar:

NM_006118.4(HAX1):c.649A>G (p.Thr217Ala)

Gene: HAX1 (HCLS1 associated protein X-1; plus strand). Cytogenetic location: 1q21.3.
Variant type: single nucleotide variant.
Coding change: c.649A>G on transcript NM_006118.4 (MANE Select); coding-DNA position 649, A replaced by G.
Protein change: p.Thr217Ala; replaces threonine 217 with alanine.
Molecular consequence: missense variant.
Genome position (GRCh38, 1-based): chr1:154,275,246, A>G. VCF-style: chr1-154275246-A-G. GRCh37 (hg19) VCF-style: chr1-154247722-A-G.
Other names: c.505A>G, p.Thr169Ala (NM_001018837.2); short protein forms T217A, T169A.
Identifiers: ClinVar variation 4033836 (VCV004033836.1).

ClinVar aggregate classification (germline): Uncertain significance (1 of 4 stars; one submission).

Conditions:
Inborn genetic diseases. Identifiers: MedGen C0950123, MeSH D030342.

gnomAD v4.1: 2 of 1,611,558 alleles (0.00012%); highest among the groups gnomAD compares: Non-Finnish European, 0.000085%; no homozygotes.

Submission:

Ambry Genetics
Classification: Uncertain significance for Inborn genetic diseases. Last evaluated: 2025-03-31. Review status: criteria provided, single submitter. Criteria: Ambry Variant Classification Scheme 2023. Collection method: clinical testing. Allele origin: germline.
Comment: The p.T217A variant (also known as c.649A>G), located in coding exon 5 of the HAX1 gene, results from an A to G substitution at nucleotide position 649. The threonine at codon 217 is replaced by alanine, an amino acid with similar properties. This amino acid position is conserved. In addition, this alteration is predicted to be tolerated by in silico analysis. Based on the available evidence, the clinical significance of this variant remains unclear.